The following is an entry in ClinVar:

ClinVar aggregate classification (germline): Uncertain significance (1 of 4 stars; one submission).

Conditions:
SEMA3A-related disorder. Also called: SEMA3A-related condition.

gnomAD v4.1: 2 of 1,610,814 alleles (0.00012%); highest among the groups gnomAD compares: South Asian, 0.0022%; no homozygotes.

Submission:

PreventionGenetics, part of Exact Sciences
Classification: Uncertain significance for SEMA3A-related condition. Last evaluated: 2025-05-15. Review status: criteria provided, single submitter. Criteria: ACMG Guidelines, 2015. Collection method: clinical testing. Allele origin: germline.
Comment: The SEMA3A c.1480C>G variant is predicted to result in the amino acid substitution p.Leu494Val. To our knowledge, this variant has not been reported in the literature. This variant is reported in 0.0033% of alleles in individuals of South Asian descent in gnomAD. At this time, the clinical significance of this variant is uncertain due to the absence of conclusive functional and genetic evidence.

NM_006080.3(SEMA3A):c.1480C>G (p.Leu494Val)

Gene: SEMA3A (semaphorin 3A; minus strand). Cytogenetic location: 7q21.11.
Variant type: single nucleotide variant.
Coding change: c.1480C>G on transcript NM_006080.3 (MANE Select); coding-DNA position 1480, C replaced by G.
Protein change: p.Leu494Val; replaces leucine 494 with valine.
Molecular consequence: missense variant.
Genome position (GRCh38, 1-based): chr7:83,985,450, G>C on the plus strand (C>G on the coding strand, the complement: SEMA3A is on the minus strand). VCF-style: chr7-83985450-G-C. GRCh37 (hg19) VCF-style: chr7-83614766-G-C.
Other names: short protein forms L494V.
Identifiers: ClinVar variation 4997898 (VCV004997898.1).